The following is an entry in ClinVar:

ClinVar aggregate classification (germline): Conflicting classifications of pathogenicity. Review status: criteria provided, conflicting classifications (1 of 4 stars). 2 submissions from 2 submitters: Uncertain significance (1); Benign (1). Last evaluated 2025-12-08.

Conditions:
Tuberous sclerosis 2 (TSC2). Identifiers: Orphanet 805, MedGen C1860707, MONDO:0013199, OMIM 613254.
Hereditary cancer-predisposing syndrome. Also called: Hereditary neoplastic syndrome; Neoplastic Syndromes, Hereditary; Hereditary Cancer Syndrome; Tumor predisposition. Identifiers: Orphanet 140162, MedGen C0027672, MeSH D009386, MONDO:0015356.

Submissions (2):

Ambry Genetics
Classification: Benign for Hereditary cancer-predisposing syndrome. Last evaluated: 2025-12-08. Review status: criteria provided, single submitter. Criteria: Ambry Variant Classification Scheme 2023. Collection method: clinical testing. Allele origin: germline.

Labcorp Genetics (formerly Invitae), Labcorp
Classification: Uncertain significance for Tuberous sclerosis 2. Last evaluated: 2025-03-13. Review status: criteria provided, single submitter. Criteria: Invitae Variant Classification Sherloc (09022015). Collection method: clinical testing. Allele origin: germline.
Comment: This sequence change replaces valine, which is neutral and non-polar, with glutamic acid, which is acidic and polar, at codon 1177 of the TSC2 protein (p.Val1177Glu). This variant is not present in population databases (gnomAD no frequency). This variant has not been reported in the literature in individuals affected with TSC2-related conditions. ClinVar contains an entry for this variant (Variation ID: 569638). Invitae Evidence Modeling of protein sequence and biophysical properties (such as structural, functional, and spatial information, amino acid conservation, physicochemical variation, residue mobility, and thermodynamic stability) indicates that this missense variant is not expected to disrupt TSC2 protein function with a negative predictive value of 95%. In summary, the available evidence is currently insufficient to determine the role of this variant in disease. Therefore, it has been classified as a Variant of Uncertain Significance.

NM_000548.5(TSC2):c.3530T>A (p.Val1177Glu)

Gene: TSC2 (TSC complex subunit 2; plus strand). Cytogenetic location: 16p13.3.
Variant type: single nucleotide variant.
Coding change: c.3530T>A on transcript NM_000548.5 (MANE Select); coding-DNA position 3530, T replaced by A.
Protein change: p.Val1177Glu; replaces valine 1177 with glutamic acid.
Molecular consequence: missense variant.
Genome position (GRCh38, 1-based): chr16:2,080,297, T>A. VCF-style: chr16-2080297-T-A. GRCh37 (hg19) VCF-style: chr16-2130298-T-A.
Other names: c.3398T>A, p.Val1133Glu (NM_001077183.3, NM_001370404.1); c.3530T>A, p.Val1177Glu (NM_001114382.3); c.3290T>A, p.Val1097Glu (NM_001318827.2); c.3254T>A, p.Val1085Glu (NM_001318829.2); c.2798T>A, p.Val933Glu (NM_001318831.2); c.3431T>A, p.Val1144Glu (NM_001318832.2); c.3401T>A, p.Val1134Glu (NM_001363528.2, NM_001370405.1, NM_021055.3); short protein forms V1177E, V1133E, V1144E, V1085E, V1097E, V1134E, V933E.
Identifiers: ClinVar variation 569638 (VCV000569638.12), dbSNP rs1567504468, ClinGen allele CA394289391.